The following is an entry in ClinVar:

ClinVar aggregate classification (germline): Pathogenic. Review status: reviewed by expert panel (3 of 4 stars). 4 submissions from 4 submitters: Pathogenic (1). 3 of the submissions do not count toward it. Last evaluated 2016-09-08.

Conditions:
Breast-ovarian cancer, familial, susceptibility to, 1 (BROVCA1). Also called: BRCA1 Hereditary Breast and Ovarian Cancer; OVARIAN CANCER, SUSCEPTIBILITY TO. Identifiers: Orphanet 145, MedGen C2676676, MONDO:0011450, OMIM 604370. Disease mechanism: loss of function.

Submissions (5):

Evidence-based Network for the Interpretation of Germline Mutant Alleles (ENIGMA)
Classification: Pathogenic for Breast-ovarian cancer, familial, susceptibility to, 1. Last evaluated: 2016-09-08. Review status: reviewed by expert panel. Criteria: ENIGMA BRCA1/2 Classification Criteria (2015). Collection method: curation. Allele origin: germline.
Comment: Variant allele predicted to encode a truncated non-functional protein.

Consortium of Investigators of Modifiers of BRCA1/2 (CIMBA), c/o University of Cambridge
Classification: Pathogenic for Breast-ovarian cancer, familial, susceptibility to, 1. Last evaluated: 2015-10-02. Review status: criteria provided, single submitter. Criteria: CIMBA Mutation Classification guidelines May 2016. Collection method: clinical testing. Allele origin: germline. Not counted in ClinVar's aggregate classification.

Breast Cancer Information Core (BIC) (BRCA1)
Classification: Pathogenic for Breast-ovarian cancer, familial 1. Last evaluated: 2002-06-20. Review status: no assertion criteria provided. Collection method: clinical testing. Allele origin: germline. Affected: yes. Observed: 1 variant allele. Not counted in ClinVar's aggregate classification.

Brotman Baty Institute, University of Washington
No classification provided (evidence only). Condition: Breast-ovarian cancer, familial 1. Review status: no classification provided. Collection method: in vitro. Allele origin: not applicable. Functional consequence: functionally_abnormal. Not counted in ClinVar's aggregate classification.
ClinVar note: "not provided" was previously submitted as the classification for the variant. However, the classification appeared to be based only on an observation of functional data so it was converted to no classification on 2025-07-30.

Department of Pathology and Laboratory Medicine, Sinai Health System
Classification: Pathogenic for Breast-ovarian cancer, familial, susceptibility to, 1. Review status: no assertion criteria provided. Collection method: clinical testing. Allele origin: unknown. Affected: yes. Study: The Canadian Open Genetics Repository (COGR). Not counted in ClinVar's aggregate classification.
Comment: The BRCA1 p.Arg1737X variant was not identified in probands in the literature, but was identified in dbSNP (ID: rs80357496) â€šÃ„ÃºWith Pathogenic alleleâ€šÃ„Ã¹, LOVD, the ClinVar database (submitted by BIC and Invitae), and the BIC database (1X with clinical importance; classified as pathogenic). The p.Arg1737X variant leads to a premature stop codon at position 1737, which is predicted to lead to a truncated or absent protein and loss of function. Loss of function variants of the BRCA1 gene are an established mechanism of disease in hereditary breast and ovarian cancer and is the type of variant expected to cause the disorder. In addition, a functional study by Chang (2009) showed that the variant protein exhibited reduced binding to promoters, suggesting that the variant is likely defective in the BRCA1 transcriptional activation function. Furthermore, a study using evolutionary conservation analysis predicted the variant to have a deleterious effect (Pettigrew 2005). In summary, based on the above information, this variant meets our laboratoryâ€šÃ„Ã´s criteria to be classified as pathogenic.

NM_007294.4(BRCA1):c.5209A>T (p.Arg1737Ter)

Gene: BRCA1 (BRCA1 DNA repair associated; minus strand). Cytogenetic location: 17q21.31.
Variant type: single nucleotide variant.
Coding change: c.5209A>T on transcript NM_007294.4 (MANE Select); coding-DNA position 5209, A replaced by T.
Protein change: p.Arg1737Ter; replaces arginine 1737 with a stop codon.
Molecular consequence: nonsense. On other transcripts: non-coding transcript variant (1).
Genome position (GRCh38, 1-based): chr17:43,057,120, T>A on the plus strand (A>T on the coding strand, the complement: BRCA1 is on the minus strand). VCF-style: chr17-43057120-T-A. GRCh37 (hg19) VCF-style: chr17-41209137-T-A.
Other names: c.5206A>T, p.Arg1736Ter (NM_001407610.1, NM_001407611.1, NM_001407612.1 and 17 more transcripts); c.5203A>T, p.Arg1735Ter (NM_001407629.1, NM_001407630.1, NM_001407631.1 and 14 more transcripts); c.5149A>T, p.Arg1717Ter (NM_001407649.1); c.5131A>T, p.Arg1711Ter (NM_001407652.1, NM_001407653.1, NM_001407654.1 and 1 more transcripts); c.5128A>T, p.Arg1710Ter (NM_001407656.1, NM_001407657.1, NM_001407658.1); c.5125A>T, p.Arg1709Ter (NM_001407659.1, NM_001407660.1, NM_001407661.1 and 2 more transcripts); c.5083A>T, p.Arg1695Ter (NM_001407670.1, NM_001407671.1, NM_001407672.1 and 10 more transcripts); c.5080A>T, p.Arg1694Ter (NM_001407689.1, NM_001407681.1, NM_001407682.1 and 6 more transcripts); and 72 more; short protein forms R1737*, R633*, R1690*, R1758*, R1568*, R1583*, R1609*, R1610*.
Identifiers: ClinVar variation 55458 (VCV000055458.7), dbSNP rs80357496, ClinGen allele CA003361.